The following is an entry in ClinVar:

NM_030665.4(RAI1):c.5611C>G (p.His1871Asp)

Gene: RAI1 (retinoic acid induced 1; plus strand). Cytogenetic location: 17p11.2.
Variant type: single nucleotide variant.
Coding change: c.5611C>G on transcript NM_030665.4 (MANE Select); coding-DNA position 5611, C replaced by G.
Protein change: p.His1871Asp; replaces histidine 1871 with aspartic acid.
Molecular consequence: missense variant.
Genome position (GRCh38, 1-based): chr17:17,803,801, C>G. VCF-style: chr17-17803801-C-G. GRCh37 (hg19) VCF-style: chr17-17707115-C-G.
Other names: short protein forms H1871D.
Identifiers: ClinVar variation 5000881 (VCV005000881.1).

ClinVar aggregate classification (germline): Uncertain significance (1 of 4 stars; one submission).

Conditions:
RAI1-related disorder. Also called: RAI1-related condition.

Submission:

PreventionGenetics, part of Exact Sciences
Classification: Uncertain significance for RAI1-related condition. Last evaluated: 2024-11-06. Review status: criteria provided, single submitter. Criteria: ACMG Guidelines, 2015. Collection method: clinical testing. Allele origin: germline.
Comment: The RAI1 c.5611C>G variant is predicted to result in the amino acid substitution p.His1871Asp. To our knowledge, this variant has not been reported in the literature or in a large population database (gnomAD), indicating this variant is rare. At this time, the clinical significance of this variant is uncertain due to the absence of conclusive functional and genetic evidence.